The following is an entry in ClinVar:

ClinVar aggregate classification (germline): Uncertain significance (1 of 4 stars; one submission).

Conditions:
Congenital disorder of deglycosylation (CDDG). Identifiers: MedGen C3808991, MONDO:0031376.

Allele frequency attached by ClinVar (database versions not stated): ExAC 0.00002; ESP Exome Variant Server 0.00008; TOPMed 0.00001; gnomAD exomes 0.00002.
gnomAD v4.1: 18 of 1,613,534 alleles (0.0011%); highest among the groups gnomAD compares: Admixed American, 0.0033%; no homozygotes.

Submission:

Labcorp Genetics (formerly Invitae), Labcorp
Classification: Uncertain significance for Congenital disorder of deglycosylation. Last evaluated: 2022-08-21. Review status: criteria provided, single submitter. Criteria: Invitae Variant Classification Sherloc (09022015). Collection method: clinical testing. Allele origin: germline.
Comment: This sequence change replaces isoleucine, which is neutral and non-polar, with valine, which is neutral and non-polar, at codon 414 of the NGLY1 protein (p.Ile414Val). This variant is present in population databases (rs371004438, gnomAD 0.003%). This variant has not been reported in the literature in individuals affected with NGLY1-related conditions. ClinVar contains an entry for this variant (Variation ID: 648084). Algorithms developed to predict the effect of missense changes on protein structure and function (SIFT, PolyPhen-2, Align-GVGD) all suggest that this variant is likely to be tolerated. In summary, the available evidence is currently insufficient to determine the role of this variant in disease. Therefore, it has been classified as a Variant of Uncertain Significance.

NM_018297.4(NGLY1):c.1240A>G (p.Ile414Val)

Gene: NGLY1 (N-glycanase 1; minus strand). Cytogenetic location: 3p24.2.
Variant type: single nucleotide variant.
Coding change: c.1240A>G on transcript NM_018297.4 (MANE Select); coding-DNA position 1240, A replaced by G.
Protein change: p.Ile414Val; replaces isoleucine 414 with valine.
Molecular consequence: missense variant.
Genome position (GRCh38, 1-based): chr3:25,733,892, T>C on the plus strand (A>G on the coding strand, the complement: NGLY1 is on the minus strand). VCF-style: chr3-25733892-T-C. GRCh37 (hg19) VCF-style: chr3-25775383-T-C.
Other names: c.1186A>G, p.Ile396Val (NM_001145293.2); c.1114A>G, p.Ile372Val (NM_001145294.2); c.1240A>G, p.Ile414Val (NM_001145295.2); short protein forms I372V, I414V, I396V.
Identifiers: ClinVar variation 648084 (VCV000648084.3), dbSNP rs371004438, ClinGen allele CA2289221.